The following is an entry in ClinVar:

NM_015047.3(EMC1):c.1452C>T (p.Phe484=)

Genes: EMC1 (ER membrane protein complex subunit 1; minus strand), EMC1-AS1 (EMC1 antisense RNA 1; plus strand). Cytogenetic location: 1p36.13.
Variant type: single nucleotide variant.
Coding change: c.1452C>T on transcript NM_015047.3 (MANE Select); coding-DNA position 1452, C replaced by T.
Protein change: p.Phe484=; no amino-acid change (phenylalanine 484 retained).
Molecular consequence: synonymous variant.
Genome position (GRCh38, 1-based): chr1:19,233,116, G>A on the plus strand (C>T on the coding strand, the complement: EMC1 is on the minus strand). VCF-style: chr1-19233116-G-A. GRCh37 (hg19) VCF-style: chr1-19559610-G-A.
Other names: c.1449C>T, p.Phe483= (NM_001271427.2, NM_001271428.2); c.1386C>T, p.Phe462= (NM_001271429.2); c.1461C>T, p.Phe487= (NM_001375820.1); c.1458C>T, p.Phe486= (NM_001375821.1).
Identifiers: ClinVar variation 2051153 (VCV002051153.4), dbSNP rs2093536720, ClinGen allele CA416429497.
Genomic context (GRCh38, chr1:19,233,116, plus strand): 5'-TTTCCAGAGGTGGGAAGTCCATGCTTGCAGCAGGATAAGCTGAGACGAGAGGCGTTTCAG[G>A]AACATCCCCAGCAAGCCATCTGGTGTAAAGGAAAAGTAACATACTCTACATCAGACTAGG-3'
Protein context (NP_055862.1, residues 474-494): GKKADGLLGM[Phe484=]LKRLSSQLIL

ClinVar aggregate classification (germline): Uncertain significance (1 of 4 stars; one submission).

Allele frequency attached by ClinVar (database versions not stated): gnomAD exomes below 0.00001; TOPMed below 0.00001.
gnomAD v4.1: 2 of 1,614,042 alleles (0.00012%); highest among the groups gnomAD compares: African/African-American, 0.0013%; no homozygotes.

Submission:

Labcorp Genetics (formerly Invitae), Labcorp
Classification: Uncertain significance. Last evaluated: 2022-08-22. Review status: criteria provided, single submitter. Criteria: Invitae Variant Classification Sherloc (09022015). Collection method: clinical testing. Allele origin: germline.
Comment: This variant has not been reported in the literature in individuals affected with EMC1-related conditions. Algorithms developed to predict the effect of sequence changes on RNA splicing suggest that this variant may create or strengthen a splice site. This variant is not present in population databases (gnomAD no frequency). This sequence change affects codon 484 of the EMC1 mRNA. It is a 'silent' change, meaning that it does not change the encoded amino acid sequence of the EMC1 protein. In summary, the available evidence is currently insufficient to determine the role of this variant in disease. Therefore, it has been classified as a Variant of Uncertain Significance.